The following is an entry in ClinVar:

NM_001692.4(ATP6V1B1):c.871C>T (p.Leu291=)

Gene: ATP6V1B1 (ATPase H+ transporting V1 subunit B1; plus strand). Cytogenetic location: 2p13.3.
Variant type: single nucleotide variant.
Coding change: c.871C>T on transcript NM_001692.4 (MANE Select); coding-DNA position 871, C replaced by T.
Protein change: p.Leu291=; no amino-acid change (leucine 291 retained).
Molecular consequence: synonymous variant.
Genome position (GRCh38, 1-based): chr2:70,962,862, C>T. VCF-style: chr2-70962862-C-T. GRCh37 (hg19) VCF-style: chr2-71189992-C-T.
Other names: c.871C>T (NM_001692.3).
Identifiers: ClinVar variation 1105055 (VCV001105055.10), dbSNP rs782108138, ClinGen allele CA426695876.
Genomic context (GRCh38, chr2:70,962,862, plus strand): 5'-CTGGCGCTGACCACTGCTGAATTCCTTGCCTACCAGTGTGAGAAGCATGTGCTGGTCATA[C>T]TGACGGACATGAGTTCCTATGCAGAGGCCTTGCGGGAGGTAAGCTGGCTAGCAAGGGGTG-3'
Protein context (NP_001683.2, residues 281-301): YQCEKHVLVI[Leu291=]TDMSSYAEAL

ClinVar aggregate classification (germline): Likely benign. Review status: criteria provided, single submitter (1 of 4 stars). 2 submissions from 2 submitters: Likely benign (1). 1 of the submissions does not count toward it. Last evaluated 2020-09-16.

Conditions:
ATP6V1B1-related disorder. Also called: ATP6V1B1-related condition.

Allele frequency attached by ClinVar (database versions not stated): gnomAD 0.00001.

Submissions (2):

Labcorp Genetics (formerly Invitae), Labcorp
Classification: Likely benign. Last evaluated: 2020-09-16. Review status: criteria provided, single submitter. Criteria: Invitae Variant Classification Sherloc (09022015). Collection method: clinical testing. Allele origin: germline.

PreventionGenetics, part of Exact Sciences
Classification: Likely benign for ATP6V1B1-related condition. Last evaluated: 2019-06-11. Review status: no assertion criteria provided. Collection method: clinical testing. Allele origin: germline. Not counted in ClinVar's aggregate classification.
Comment: This variant is classified as likely benign based on ACMG/AMP sequence variant interpretation guidelines (Richards et al. 2015 PMID: 25741868, with internal and published modifications).